The following is an entry in ClinVar:

NM_000234.3(LIG1):c.653C>G (p.Thr218Ser)

Gene: LIG1 (DNA ligase 1; minus strand). Cytogenetic location: 19q13.33.
Variant type: single nucleotide variant.
Coding change: c.653C>G on transcript NM_000234.3 (MANE Select); coding-DNA position 653, C replaced by G.
Protein change: p.Thr218Ser; replaces threonine 218 with serine.
Molecular consequence: missense variant. On other transcripts: non-coding transcript variant (6).
Genome position (GRCh38, 1-based): chr19:48,150,132, G>C on the plus strand (C>G on the coding strand, the complement: LIG1 is on the minus strand). VCF-style: chr19-48150132-G-C. GRCh37 (hg19) VCF-style: chr19-48653389-G-C.
Other names: c.560C>G, p.Thr187Ser (NM_001289063.2); c.449C>G, p.Thr150Ser (NM_001289064.2); c.650C>G, p.Thr217Ser (NM_001320970.2); c.563C>G, p.Thr188Ser (NM_001320971.2); short protein forms T188S, T187S, T150S, T217S, T218S.
Identifiers: ClinVar variation 1994740 (VCV001994740.4), dbSNP rs2514240883, ClinGen allele CA406654890.

ClinVar aggregate classification (germline): Uncertain significance (1 of 4 stars; one submission).

Submission:

Labcorp Genetics (formerly Invitae), Labcorp
Classification: Uncertain significance. Last evaluated: 2022-05-15. Review status: criteria provided, single submitter. Criteria: Invitae Variant Classification Sherloc (09022015). Collection method: clinical testing. Allele origin: germline.
Comment: This variant is not present in population databases (gnomAD no frequency). This sequence change replaces threonine, which is neutral and polar, with serine, which is neutral and polar, at codon 218 of the LIG1 protein (p.Thr218Ser). This variant has not been reported in the literature in individuals affected with LIG1-related conditions. In summary, the available evidence is currently insufficient to determine the role of this variant in disease. Therefore, it has been classified as a Variant of Uncertain Significance. Algorithms developed to predict the effect of missense changes on protein structure and function output the following: SIFT: "Tolerated"; PolyPhen-2: "Benign"; Align-GVGD: "Class C0". The serine amino acid residue is found in multiple mammalian species, which suggests that this missense change does not adversely affect protein function.